The following is an entry in ClinVar:

NM_002224.4(ITPR3):c.5809G>A (p.Val1937Ile)

Gene: ITPR3 (inositol 1,4,5-trisphosphate receptor type 3; plus strand). Cytogenetic location: 6p21.31.
Variant type: single nucleotide variant.
Coding change: c.5809G>A on transcript NM_002224.4 (MANE Select); coding-DNA position 5809, G replaced by A.
Protein change: p.Val1937Ile; replaces valine 1937 with isoleucine.
Molecular consequence: missense variant.
Genome position (GRCh38, 1-based): chr6:33,686,194, G>A. VCF-style: chr6-33686194-G-A. GRCh37 (hg19) VCF-style: chr6-33653971-G-A.
Other names: short protein forms V1937I.
Identifiers: ClinVar variation 722942 (VCV000722942.4), dbSNP rs146844329, ClinGen allele CA3761685.

ClinVar aggregate classification (germline): Likely benign. Review status: criteria provided, multiple submitters, no conflicts (2 of 4 stars). 2 submissions from 2 submitters: Likely benign (2). Last evaluated 2025-12-29.

Conditions:
ITPR3-related disorder. Also called: ITPR3-related condition.

Allele frequency attached by ClinVar (database versions not stated): gnomAD 0.00184 and 0.00192; 1000 Genomes Project 30x 0.00187; 1000 Genomes Project 0.00240; TOPMed 0.00268; gnomAD exomes 0.00031 and 0.00058; ExAC 0.00056; ESP Exome Variant Server 0.00138.
gnomAD v4.1: 773 of 1,614,066 alleles (0.048%); highest among the groups gnomAD compares: African/African-American, 0.44%; 3 homozygotes.

Submissions (2):

PreventionGenetics, part of Exact Sciences
Classification: Likely benign for ITPR3-related condition. Last evaluated: 2025-12-29. Review status: criteria provided, single submitter. Criteria: ACMG Guidelines, 2015. Collection method: clinical testing. Allele origin: germline.
Comment: This variant is classified as likely benign based on ACMG/AMP sequence variant interpretation guidelines (Richards et al. 2015 PMID: 25741868, with internal and published modifications).

Labcorp Genetics (formerly Invitae), Labcorp
Classification: Likely benign. Last evaluated: 2018-09-17. Review status: criteria provided, single submitter. Criteria: Invitae Variant Classification Sherloc (09022015). Collection method: clinical testing. Allele origin: germline.